The following is an entry in ClinVar:

ClinVar aggregate classification (germline): Uncertain significance (1 of 4 stars; one submission).

Conditions:
Inborn genetic diseases. Identifiers: MedGen C0950123, MeSH D030342.

Submission:

Ambry Genetics
Classification: Uncertain significance for Inborn genetic diseases. Last evaluated: 2025-03-22. Review status: criteria provided, single submitter. Criteria: Ambry Variant Classification Scheme 2023. Collection method: clinical testing. Allele origin: germline.
Comment: The p.P57S variant (also known as c.169C>T), located in coding exon 3 of the RUNX1 gene, results from a C to T substitution at nucleotide position 169. The proline at codon 57 is replaced by serine, an amino acid with similar properties. This amino acid position is conserved. In addition, the in silico prediction for this alteration is inconclusive. Based on the available evidence, the clinical significance of this variant remains unclear.

NM_001754.5(RUNX1):c.169C>T (p.Pro57Ser)

Gene: RUNX1 (RUNX family transcription factor 1; minus strand). Cytogenetic location: 21q22.12.
Variant type: single nucleotide variant.
Coding change: c.169C>T on transcript NM_001754.5 (MANE Select); coding-DNA position 169, C replaced by T.
Protein change: p.Pro57Ser; replaces proline 57 with serine.
Molecular consequence: missense variant.
Genome position (GRCh38, 1-based): chr21:34,887,025, G>A on the plus strand (C>T on the coding strand, the complement: RUNX1 is on the minus strand). VCF-style: chr21-34887025-G-A. GRCh37 (hg19) VCF-style: chr21-36259322-G-A.
Other names: c.88C>T, p.Pro30Ser (NM_001001890.3, NM_001122607.2); short protein forms P30S, P57S.
Identifiers: ClinVar variation 3948844 (VCV003948844.1).
Genomic context (GRCh38, chr21:34,887,025, plus strand): 5'-TGCGGTCGCCGCTCCTCAGCTTGCCGGCCAGGGCAGCGCCGGCGTCCGGGGCGCCCAGCG[G>A]CAACGCCTCGCTCATCTTGCCTGGGCTCAGCGCGGTGGAAGGCGGCGTGAAGCGGCGGCT-3'
Protein context (NP_001745.2, residues 47-67): LSPGKMSEAL[Pro57Ser]LGAPDAGAAL